The following is an entry in ClinVar:

NM_003482.4(KMT2D):c.16052+2T>G

Gene: KMT2D (lysine methyltransferase 2D; minus strand). Cytogenetic location: 12q13.12.
Variant type: single nucleotide variant.
Coding change: c.16052+2T>G on transcript NM_003482.4 (MANE Select); the canonical splice donor site of the intron after coding-DNA position 16052, T replaced by G.
Molecular consequence: splice donor variant.
Genome position (GRCh38, 1-based): chr12:49,024,576, A>C on the plus strand (T>G on the coding strand, the complement: KMT2D is on the minus strand). VCF-style: chr12-49024576-A-C. GRCh37 (hg19) VCF-style: chr12-49418359-A-C.
Identifiers: ClinVar variation 2813419 (VCV002813419.3), dbSNP rs2499030412, ClinGen allele CA384681018.

ClinVar aggregate classification (germline): Likely pathogenic (1 of 4 stars; one submission).

Conditions:
Kabuki syndrome. Also called: Kabuki make-up syndrome; NIIKAWA-KUROKI SYNDROME. Identifiers: Orphanet 2322, MedGen C0796004, MONDO:0016512.

Submission:

Labcorp Genetics (formerly Invitae), Labcorp
Classification: Likely pathogenic for Kabuki syndrome. Last evaluated: 2023-11-22. Review status: criteria provided, single submitter. Criteria: Invitae Variant Classification Sherloc (09022015). Collection method: clinical testing. Allele origin: germline.
Comment: This sequence change affects a donor splice site in intron 50 of the KMT2D gene. It is expected to disrupt RNA splicing. Variants that disrupt the donor or acceptor splice site typically lead to a loss of protein function (PMID: 16199547), and loss-of-function variants in KMT2D are known to be pathogenic (PMID: 22126750). This variant is not present in population databases (gnomAD no frequency). This variant has not been reported in the literature in individuals affected with KMT2D-related conditions. Algorithms developed to predict the effect of sequence changes on RNA splicing suggest that this variant may disrupt the consensus splice site. In summary, the currently available evidence indicates that the variant is pathogenic, but additional data are needed to prove that conclusively. Therefore, this variant has been classified as Likely Pathogenic.

Literature cited by the submitters: PubMed 16199547; PubMed 22126750.